The following is an entry in ClinVar:

NM_019594.4(LRRC8A):c.2157+4A>G

Gene: LRRC8A (leucine rich repeat containing 8 VRAC subunit A; plus strand). Cytogenetic location: 9q34.11.
Variant type: single nucleotide variant.
Coding change: c.2157+4A>G on transcript NM_019594.4 (MANE Select); 4 bases into the intron after coding-DNA position 2157, A replaced by G.
Molecular consequence: intron variant.
Genome position (GRCh38, 1-based): chr9:128,909,325, A>G. VCF-style: chr9-128909325-A-G. GRCh37 (hg19) VCF-style: chr9-131671604-A-G.
Other names: c.2157+4A>G (NM_001127245.2, NM_001127244.2).
Identifiers: ClinVar variation 4737769 (VCV004737769.1).

ClinVar aggregate classification (germline): Uncertain significance (1 of 4 stars; one submission).

Submission:

Labcorp Genetics (formerly Invitae), Labcorp
Classification: Uncertain significance. Last evaluated: 2025-06-24. Review status: criteria provided, single submitter. Criteria: Invitae Variant Classification Sherloc (09022015). Collection method: clinical testing. Allele origin: germline.
Comment: This sequence change falls in intron 3 of the LRRC8A gene. It does not directly change the encoded amino acid sequence of the LRRC8A protein. It affects a nucleotide within the consensus splice site. This variant is not present in population databases (gnomAD no frequency). This variant has not been reported in the literature in individuals affected with LRRC8A-related conditions. Variants that disrupt the consensus splice site are a relatively common cause of aberrant splicing (PMID: 17576681, 9536098). Algorithms developed to predict the effect of sequence changes on RNA splicing suggest that this variant is not likely to affect RNA splicing. In summary, the available evidence is currently insufficient to determine the role of this variant in disease. Therefore, it has been classified as a Variant of Uncertain Significance.

Literature cited by the submitters: PubMed 17576681; PubMed 9536098.